The following is an entry in ClinVar:

NM_005591.4(MRE11):c.1957G>T (p.Glu653Ter)

Gene: MRE11 (MRE11 double strand break repair nuclease; minus strand). Cytogenetic location: 11q21.
Variant type: single nucleotide variant.
Coding change: c.1957G>T on transcript NM_005591.4 (MANE Select); coding-DNA position 1957, G replaced by T.
Protein change: p.Glu653Ter; replaces glutamic acid 653 with a stop codon.
Molecular consequence: nonsense.
Genome position (GRCh38, 1-based): chr11:94,435,869, C>A on the plus strand (G>T on the coding strand, the complement: MRE11 is on the minus strand). VCF-style: chr11-94435869-C-A. GRCh37 (hg19) VCF-style: chr11-94169035-C-A.
Other names: c.1954G>T, p.Glu652Ter (NM_001330347.2); c.1873G>T, p.Glu625Ter (NM_005590.4); short protein forms E625*, E652*, E653*.
Identifiers: ClinVar variation 1800256 (VCV001800256.2), dbSNP rs2496208753, ClinGen allele CA382374095.
Genomic context (GRCh38, chr11:94,435,869, plus strand): 5'-TTGCAGAAAATCACTGCACCTACCTTTGATCTGTCTTTGAAGTGGTAGGAAAAATGTCTT[C>A]TTCCACATCTGATTCATCTACCTCAATCACCTGGCAAGGAAACAAAGCAACAAACAGTTT-3'

ClinVar aggregate classification (germline): Pathogenic (1 of 4 stars; one submission).

Conditions:
Hereditary cancer-predisposing syndrome. Also called: Neoplastic Syndromes, Hereditary; Tumor predisposition; Hereditary Cancer Syndrome; Hereditary neoplastic syndrome. Identifiers: Orphanet 140162, MedGen C0027672, MeSH D009386, MONDO:0015356.

Submission:

Ambry Genetics
Classification: Pathogenic for Hereditary cancer-predisposing syndrome. Last evaluated: 2020-02-26. Review status: criteria provided, single submitter. Criteria: Ambry Variant Classification Scheme 2023. Collection method: clinical testing. Allele origin: germline.
Comment: The p.E653* pathogenic mutation (also known as c.1957G>T), located in coding exon 17 of the MRE11A gene, results from a G to T substitution at nucleotide position 1957. This changes the amino acid from a glutamic acid to a stop codon within coding exon 17. This alteration is expected to result in loss of function by premature protein truncation or nonsense-mediated mRNA decay. As such, this alteration is interpreted as a disease-causing mutation.